The following is an entry in ClinVar:

NM_021625.5(TRPV4):c.1907T>C (p.Leu636Pro)

Gene: TRPV4 (transient receptor potential cation channel subfamily V member 4; minus strand). Cytogenetic location: 12q24.11.
Variant type: single nucleotide variant.
Coding change: c.1907T>C on transcript NM_021625.5 (MANE Select); coding-DNA position 1907, T replaced by C.
Protein change: p.Leu636Pro; replaces leucine 636 with proline.
Molecular consequence: missense variant.
Genome position (GRCh38, 1-based): chr12:109,788,701, A>G on the plus strand (T>C on the coding strand, the complement: TRPV4 is on the minus strand). VCF-style: chr12-109788701-A-G. GRCh37 (hg19) VCF-style: chr12-110226506-A-G.
Other names: c.1766T>C, p.Leu589Pro (NM_001177428.2); c.1805T>C, p.Leu602Pro (NM_001177431.2); c.1586T>C, p.Leu529Pro (NM_001177433.2); c.1727T>C, p.Leu576Pro (NM_147204.3); short protein forms L576P, L529P, L589P, L602P, L636P.
Identifiers: ClinVar variation 3016335 (VCV003016335.3), dbSNP rs1038202857, ClinGen allele CA243497909.

ClinVar aggregate classification (germline): Uncertain significance (1 of 4 stars; one submission).

Conditions:
Charcot-Marie-Tooth disease axonal type 2C (HMSN2C). Also called: CHARCOT-MARIE-TOOTH DISEASE, AXONAL, AUTOSOMAL DOMINANT, TYPE 2C; Charcot-Marie-Tooth Neuropathy Type 2C; Charcot-Marie-Tooth Disease Type 2, TRPV4-Related (CMT2C). Identifiers: Orphanet 99937, MedGen C1853710, MONDO:0011633, OMIM 606071.

Allele frequency attached by ClinVar (database versions not stated): gnomAD exomes 0.00001; TOPMed 0.00001.

Submission:

Labcorp Genetics (formerly Invitae), Labcorp
Classification: Uncertain significance for Charcot-Marie-Tooth disease axonal type 2C. Last evaluated: 2025-12-21. Review status: criteria provided, single submitter. Criteria: Invitae Variant Classification Sherloc (09022015). Collection method: clinical testing. Allele origin: germline.
Comment: This sequence change replaces leucine, which is neutral and non-polar, with proline, which is neutral and non-polar, at codon 636 of the TRPV4 protein (p.Leu636Pro). This variant is present in population databases (no rsID available, gnomAD 0.0009%). This variant has not been reported in the literature in individuals affected with TRPV4-related conditions. ClinVar contains an entry for this variant (Variation ID: 3016335). Invitae Evidence Modeling of protein sequence and biophysical properties (such as structural, functional, and spatial information, amino acid conservation, physicochemical variation, residue mobility, and thermodynamic stability) indicates that this missense variant is expected to disrupt TRPV4 protein function with a positive predictive value of 80%. In summary, the available evidence is currently insufficient to determine the role of this variant in disease. Therefore, it has been classified as a Variant of Uncertain Significance.